The following is an entry in ClinVar:

ClinVar aggregate classification (germline): Uncertain significance. Review status: criteria provided, multiple submitters, no conflicts (2 of 4 stars). 2 submissions from 2 submitters: Uncertain significance (2). Last evaluated 2024-08-20.

Conditions:
Usmani-Riazuddin syndrome, autosomal dominant (USRISD). Identifiers: MedGen C5561952, MONDO:0859174, OMIM 619467.

Submissions (2):

Blueprint Genetics
Classification: Uncertain significance. Last evaluated: 2024-08-20. Review status: criteria provided, single submitter. Criteria: ACMG Guidelines, 2015. Collection method: clinical testing. Allele origin: germline.

Victorian Clinical Genetics Services, Murdoch Childrens Research Institute
Classification: Uncertain significance for Usmani-Riazuddin syndrome, autosomal dominant. Last evaluated: 2023-12-21. Review status: criteria provided, single submitter. Criteria: ACMG Guidelines, 2015. Collection method: clinical testing. Allele origin: germline. Inheritance: Autosomal dominant inheritance. Affected: yes.
Comment: Based on the classification scheme VCGS_Germline_v1.3.4, this variant is classified as VUS-3A. Following criteria are met: 0102 - Loss of function is a known mechanism of disease in this gene and is associated with Usmani-Riazuddin syndrome, autosomal dominant (MIM#619467), whereas missense variants may exert a toxic dominant negative mechanism (PMID: 34102099). (I) 0108 - This gene is associated with both recessive and dominant disease. Biallelic variants have also been reported to cause disease (Usmani-Riazuddin syndrome, MIM#619548), but this association is not yet well-established (PanelApp Aus). (I) 0201 - Variant is predicted to cause nonsense-mediated decay (NMD) and loss of protein (premature termination codon is located at least 54 nucleotides upstream of the final exon-exon junction). (SP) 0251 - This variant is heterozygous. (I) 0304 - Variant is present in gnomAD (v2) <0.01 (1 heterozygote, 0 homozygotes). (SP) 0703 - Other NMD-predicted variants comparable to the one identified in this case have moderate previous evidence for pathogenicity. These variants have been repeatedly reported as de novo and pathogenic, and have been reported in heterozygous individuals with a neurodevelopmental disorder (ClinVar, PMID: 34102099). However, functional studies on one of these variants suggests NMD escape (PMID: 34102099). (SP) 0807 - This variant has no previous evidence of pathogenicity. (I) 0905 - No published segregation evidence has been identified for this variant. (I) 1007 - No published functional evidence has been identified for this variant. (I) Legend: (SP) - Supporting pathogenic, (I) - Information, (SB) - Supporting benign

Literature cited by the submitters: PubMed 34102099 (cited by Victorian Clinical Genetics Services, Murdoch Childrens Research Institute).

NM_001128.6(AP1G1):c.136C>T (p.Arg46Ter)

Gene: AP1G1 (adaptor related protein complex 1 subunit gamma 1; minus strand). Cytogenetic location: 16q22.2.
Variant type: single nucleotide variant.
Coding change: c.136C>T on transcript NM_001128.6 (MANE Select); coding-DNA position 136, C replaced by T.
Protein change: p.Arg46Ter; replaces arginine 46 with a stop codon.
Molecular consequence: nonsense.
Genome position (GRCh38, 1-based): chr16:71,789,344, G>A on the plus strand (C>T on the coding strand, the complement: AP1G1 is on the minus strand). VCF-style: chr16-71789344-G-A. GRCh37 (hg19) VCF-style: chr16-71823247-G-A.
Other names: c.136C>T, p.Arg46Ter (NM_001030007.2); short protein forms R46*.
Identifiers: ClinVar variation 3376822 (VCV003376822.2).